The following is an entry in ClinVar:

ClinVar aggregate classification (germline): Uncertain significance (1 of 4 stars; one submission).

Conditions:
Cardiovascular phenotype. Identifiers: MedGen CN230736.

gnomAD v4.1: 4 of 1,613,994 alleles (0.00025%); highest among the groups gnomAD compares: Non-Finnish European, 0.00025%; no homozygotes.

Submission:

Ambry Genetics
Classification: Uncertain significance for Cardiovascular phenotype. Last evaluated: 2022-10-27. Review status: criteria provided, single submitter. Criteria: Ambry Variant Classification Scheme 2023. Collection method: clinical testing. Allele origin: germline.
Comment: The p.I2874N variant (also known as c.8621T>A), located in coding exon 26 of the APOB gene, results from a T to A substitution at nucleotide position 8621. The isoleucine at codon 2874 is replaced by asparagine, an amino acid with dissimilar properties. This amino acid position is conserved. In addition, this alteration is predicted to be tolerated by in silico analysis. Since supporting evidence is limited at this time, the clinical significance of this alteration remains unclear.

NM_000384.3(APOB):c.8621T>A (p.Ile2874Asn)

Gene: APOB (apolipoprotein B; minus strand). Cytogenetic location: 2p24.1.
Variant type: single nucleotide variant.
Coding change: c.8621T>A on transcript NM_000384.3 (MANE Select); coding-DNA position 8621, T replaced by A.
Protein change: p.Ile2874Asn; replaces isoleucine 2874 with asparagine.
Molecular consequence: missense variant.
Genome position (GRCh38, 1-based): chr2:21,008,247, A>T on the plus strand (T>A on the coding strand, the complement: APOB is on the minus strand). VCF-style: chr2-21008247-A-T. GRCh37 (hg19) VCF-style: chr2-21231119-A-T.
Other names: short protein forms I2874N.
Identifiers: ClinVar variation 1764075 (VCV001764075.2), dbSNP rs370585830, ClinGen allele CA345993731.